The following is an entry in ClinVar:

NM_001010867.4(IBA57):c.242C>G (p.Pro81Arg)

Gene: IBA57 (iron-sulfur cluster assembly factor IBA57; plus strand). Cytogenetic location: 1q42.13.
Variant type: single nucleotide variant.
Coding change: c.242C>G on transcript NM_001010867.4 (MANE Select); coding-DNA position 242, C replaced by G.
Protein change: p.Pro81Arg; replaces proline 81 with arginine.
Molecular consequence: missense variant.
Genome position (GRCh38, 1-based): chr1:228,166,058, C>G. VCF-style: chr1-228166058-C-G. GRCh37 (hg19) VCF-style: chr1-228353759-C-G.
Other names: short protein forms P81R.
Identifiers: ClinVar variation 4783285 (VCV004783285.1).

ClinVar aggregate classification (germline): Uncertain significance (1 of 4 stars; one submission).

Conditions:
Multiple mitochondrial dysfunctions syndrome 3 (MMDS3). Identifiers: Orphanet 363424, MedGen C3809165, MONDO:0014132, OMIM 615330.
Hereditary spastic paraplegia 74. Also called: Spastic paraplegia 74, autosomal recessive. Identifiers: Orphanet 468661, MedGen C5568837, MONDO:0014644, OMIM 616451.

Submission:

Labcorp Genetics (formerly Invitae), Labcorp
Classification: Uncertain significance for Multiple mitochondrial dysfunctions syndrome 3; Hereditary spastic paraplegia 74. Last evaluated: 2025-10-06. Review status: criteria provided, single submitter. Criteria: Invitae Variant Classification Sherloc (09022015). Collection method: clinical testing. Allele origin: germline.
Comment: This sequence change replaces proline, which is neutral and non-polar, with arginine, which is basic and polar, at codon 81 of the IBA57 protein (p.Pro81Arg). This variant is not present in population databases (gnomAD no frequency). This variant has not been reported in the literature in individuals affected with IBA57-related conditions. Invitae Evidence Modeling of protein sequence and biophysical properties (such as structural, functional, and spatial information, amino acid conservation, physicochemical variation, residue mobility, and thermodynamic stability) has been performed for this missense variant. However, the output from this modeling did not meet the statistical confidence thresholds required to predict the impact of this variant on IBA57 protein function. In summary, the available evidence is currently insufficient to determine the role of this variant in disease. Therefore, it has been classified as a Variant of Uncertain Significance.